The following is an entry in ClinVar:

NM_013254.4(TBK1):c.1603G>A (p.Ala535Thr)

Gene: TBK1 (TANK binding kinase 1; plus strand). Cytogenetic location: 12q14.2.
Variant type: single nucleotide variant.
Coding change: c.1603G>A on transcript NM_013254.4 (MANE Select); coding-DNA position 1603, G replaced by A.
Protein change: p.Ala535Thr; replaces alanine 535 with threonine.
Molecular consequence: missense variant.
Genome position (GRCh38, 1-based): chr12:64,495,564, G>A. VCF-style: chr12-64495564-G-A. GRCh37 (hg19) VCF-style: chr12-64889344-G-A.
Other names: c.1603G>A, p.Ala535Thr (LRG_1306t1); short protein forms A535T.
Identifiers: ClinVar variation 575829 (VCV000575829.11), dbSNP rs199905735, ClinGen allele CA6669108.

ClinVar aggregate classification (germline): Uncertain significance. Review status: criteria provided, multiple submitters, no conflicts (2 of 4 stars). 2 submissions from 2 submitters: Uncertain significance (2). Last evaluated 2024-06-23.

Conditions:
Frontotemporal dementia and/or amyotrophic lateral sclerosis 4. Also called: FTDALS4. Identifiers: Orphanet 275872, MedGen C4225325, MONDO:0014641, OMIM 616439.

Allele frequency attached by ClinVar (database versions not stated): gnomAD 0.00003 and 0.00004; TOPMed 0.00004; ExAC 0.00008; gnomAD exomes 0.00009 and 0.00010; ESP Exome Variant Server 0.00015.
gnomAD v4.1: 152 of 1,613,942 alleles (0.0094%); highest among the groups gnomAD compares: Non-Finnish European, 0.012%; no homozygotes.

Submissions (2):

Labcorp Genetics (formerly Invitae), Labcorp
Classification: Uncertain significance for Frontotemporal dementia and/or amyotrophic lateral sclerosis 4. Last evaluated: 2024-06-23. Review status: criteria provided, single submitter. Criteria: Invitae Variant Classification Sherloc (09022015). Collection method: clinical testing. Allele origin: germline.
Comment: This sequence change replaces alanine, which is neutral and non-polar, with threonine, which is neutral and polar, at codon 535 of the TBK1 protein (p.Ala535Thr). This variant is present in population databases (rs199905735, gnomAD 0.01%). This missense change has been observed in individual(s) with clinical features of TBK1-related conditions (PMID: 26581300, 33208543). ClinVar contains an entry for this variant (Variation ID: 575829). Advanced modeling of protein sequence and biophysical properties (such as structural, functional, and spatial information, amino acid conservation, physicochemical variation, residue mobility, and thermodynamic stability) performed at Invitae indicates that this missense variant is not expected to disrupt TBK1 protein function with a negative predictive value of 95%. Experimental studies have shown that this missense change does not substantially affect TBK1 function (PMID: 28008748). In summary, the available evidence is currently insufficient to determine the role of this variant in disease. Therefore, it has been classified as a Variant of Uncertain Significance.

MGZ Medical Genetics Center
Classification: Uncertain significance for Frontotemporal dementia and/or amyotrophic lateral sclerosis 4. Last evaluated: 2021-10-13. Review status: criteria provided, single submitter. Criteria: ACMG Guidelines, 2015. Collection method: clinical testing. Allele origin: germline. Affected: yes. Observed: 1 variant allele.
Comment: ACMG criteria applied: PM2_SUP, BP4

Literature cited by the submitters: PubMed 26581300 (cited by Labcorp Genetics (formerly Invitae), Labcorp); PubMed 33208543 (cited by Labcorp Genetics (formerly Invitae), Labcorp); PubMed 28008748 (cited by Labcorp Genetics (formerly Invitae), Labcorp).